The following is an entry in ClinVar:

ClinVar aggregate classification (germline): Likely pathogenic (1 of 4 stars; one submission).

Submission:

GeneDx
Classification: Likely pathogenic. Last evaluated: 2024-04-26. Review status: criteria provided, single submitter. Criteria: GeneDx Variant Classification Process June 2021. Collection method: clinical testing. Allele origin: germline. Affected: yes.
Comment: Frameshift variant predicted to result in protein truncation or nonsense mediated decay in a gene for which loss of function is a known mechanism of disease; Not observed at significant frequency in large population cohorts (gnomAD); Has not been previously published as pathogenic or benign to our knowledge

NM_032119.4(ADGRV1):c.14373dup (p.Gly4792fs)

Gene: ADGRV1 (adhesion G protein-coupled receptor V1; plus strand). Cytogenetic location: 5q14.3.
Variant type: Duplication.
Coding change: c.14373dup on transcript NM_032119.4 (MANE Select); coding-DNA position 14373, one base duplicated (T; older notation c.14373dupT).
Protein change: p.Gly4792fs; shifts the reading frame from glycine 4792.
Molecular consequence: frameshift variant. On other transcripts: non-coding transcript variant (1).
Genome position (GRCh38, 1-based): chr5:90,791,202, T duplicated. VCF-style (leftmost placement, unchanged base first): chr5-90791201-C-CT. GRCh37 (hg19) VCF-style: chr5-90087018-C-CT.
Other names: short protein forms G4792fs.
Identifiers: ClinVar variation 3375848 (VCV003375848.1).